The following is an entry in ClinVar:

NM_000038.6(APC):c.4378G>A (p.Ala1460Thr)

Gene: APC (APC regulator of Wnt signaling pathway; plus strand). Cytogenetic location: 5q22.2.
Variant type: single nucleotide variant.
Coding change: c.4378G>A on transcript NM_000038.6 (MANE Select); coding-DNA position 4378, G replaced by A.
Protein change: p.Ala1460Thr; replaces alanine 1460 with threonine.
Molecular consequence: missense variant.
Genome position (GRCh38, 1-based): chr5:112,839,972, G>A. VCF-style: chr5-112839972-G-A. GRCh37 (hg19) VCF-style: chr5-112175669-G-A.
Other names: c.4378G>A, p.Ala1460Thr (NM_001127510.3, NM_001354895.2); c.4324G>A, p.Ala1442Thr (NM_001127511.3); c.4432G>A, p.Ala1478Thr (NM_001354896.2); c.4408G>A, p.Ala1470Thr (NM_001354897.2); c.4303G>A, p.Ala1435Thr (NM_001354898.2); c.4294G>A, p.Ala1432Thr (NM_001354899.2); c.4255G>A, p.Ala1419Thr (NM_001354900.2); c.4201G>A, p.Ala1401Thr (NM_001354901.2); and 5 more; short protein forms A1177T, A1300T, A1334T, A1359T, A1369T, A1401T, A1419T, A1432T.
Identifiers: ClinVar variation 1001278 (VCV001001278.17), dbSNP rs1353405049, ClinGen allele CA16030915.

ClinVar aggregate classification (germline): Uncertain significance. Review status: criteria provided, multiple submitters, no conflicts (2 of 4 stars). 4 submissions from 4 submitters: Uncertain significance (4). Last evaluated 2026-08-04.

Conditions:
Hereditary cancer-predisposing syndrome. Also called: Tumor predisposition; Hereditary Cancer Syndrome; Hereditary neoplastic syndrome; Neoplastic Syndromes, Hereditary. Identifiers: Orphanet 140162, MedGen C0027672, MeSH D009386, MONDO:0015356.
Familial adenomatous polyposis 1 (FAP1). Also called: POLYPOSIS, ADENOMATOUS INTESTINAL; FAMILIAL ADENOMATOUS POLYPOSIS 1, ATTENUATED. Identifiers: MedGen C2713442, MONDO:0021056, OMIM 175100. Disease mechanism: loss of function.

Submissions (4):

Ambry Genetics
Classification: Uncertain significance for Hereditary cancer-predisposing syndrome. Last evaluated: 2026-08-04. Review status: criteria provided, single submitter. Criteria: Ambry Variant Classification Scheme 2023. Collection method: clinical testing. Allele origin: germline.

Labcorp Genetics (formerly Invitae), Labcorp
Classification: Uncertain significance for Familial adenomatous polyposis 1. Last evaluated: 2025-08-11. Review status: criteria provided, single submitter. Criteria: Invitae Variant Classification Sherloc (09022015). Collection method: clinical testing. Allele origin: germline.
Comment: This sequence change replaces alanine, which is neutral and non-polar, with threonine, which is neutral and polar, at codon 1460 of the APC protein (p.Ala1460Thr). This variant is not present in population databases (gnomAD no frequency). This variant has not been reported in the literature in individuals affected with APC-related conditions. ClinVar contains an entry for this variant (Variation ID: 1001278). Invitae Evidence Modeling of protein sequence and biophysical properties (such as structural, functional, and spatial information, amino acid conservation, physicochemical variation, residue mobility, and thermodynamic stability) indicates that this missense variant is not expected to disrupt APC protein function with a negative predictive value of 95%. In summary, the available evidence is currently insufficient to determine the role of this variant in disease. Therefore, it has been classified as a Variant of Uncertain Significance.

St. Jude Molecular Pathology, St. Jude Children's Research Hospital
Classification: Uncertain significance for Familial adenomatous polyposis 1. Last evaluated: 2025-02-05. Review status: criteria provided, single submitter. Criteria: St. Jude Assertion Criteria 2020. Collection method: clinical testing. Allele origin: germline.
Comment: The APC c.4378G>A p.(Ala1460Thr) missense change is absent in gnomAD v2.1.1. The in silico tool REVEL predicts a benign effect of this variant on protein function, but functional studies have not been performed on this variant. Missense variants are not a common cause of disease in APC (PMID: 37800450). To our knowledge, this variant has not been reported in individuals with APC-related familial adenomatous polyposis or attenuated familial adenomatous polyposis. In summary, the evidence currently available is insufficient to determine the clinical significance of this variant. It has therefore been classified as of uncertain significance.

Color Diagnostics, LLC DBA Color Health
Classification: Uncertain significance for Hereditary cancer-predisposing syndrome. Last evaluated: 2021-07-06. Review status: criteria provided, single submitter. Criteria: ACMG Guidelines, 2015. Collection method: clinical testing. Allele origin: germline.
Comment: This missense variant replaces alanine with threonine at codon 1460 of the APC protein. Computational prediction suggests that this variant may not impact protein structure and function (internally defined REVEL score threshold <= 0.5, PMID: 27666373). To our knowledge, functional studies have not been reported for this variant. This variant has not been reported in individuals affected with hereditary cancer in the literature. This variant has not been identified in the general population by the Genome Aggregation Database (gnomAD). The available evidence is insufficient to determine the role of this variant in disease conclusively. Therefore, this variant is classified as a Variant of Uncertain Significance.